The following is an entry in ClinVar:

NM_001009944.3(PKD1):c.5529C>T (p.Gly1843=)

Gene: PKD1 (polycystin 1, transient receptor potential channel interacting; minus strand). Cytogenetic location: 16p13.3.
Variant type: single nucleotide variant.
Coding change: c.5529C>T on transcript NM_001009944.3 (MANE Select); coding-DNA position 5529, C replaced by T.
Protein change: p.Gly1843=; no amino-acid change (glycine 1843 retained).
Molecular consequence: synonymous variant.
Genome position (GRCh38, 1-based): chr16:2,109,638, G>A on the plus strand (C>T on the coding strand, the complement: PKD1 is on the minus strand). VCF-style: chr16-2109638-G-A. GRCh37 (hg19) VCF-style: chr16-2159639-G-A.
Other names: c.5529C>T, p.Gly1843= (NM_000296.4).
Identifiers: ClinVar variation 4848427 (VCV004848427.2).

ClinVar aggregate classification (germline): Likely benign. Review status: criteria provided, multiple submitters, no conflicts (2 of 4 stars). 2 submissions from 2 submitters: Likely benign (2). Last evaluated 2026-06-22.

Conditions:
PKD1-related disorder. Also called: PKD1-related condition.

gnomAD v4.1: 54 of 1,597,494 alleles (0.0034%); highest among the groups gnomAD compares: African/African-American, 0.036%; no homozygotes.

Submissions (2):

PreventionGenetics, part of Exact Sciences
Classification: Likely benign for PKD1-related condition. Last evaluated: 2026-06-22. Review status: criteria provided, single submitter. Criteria: ACMG Guidelines, 2015. Collection method: clinical testing. Allele origin: germline.
Comment: This variant is classified as likely benign based on ACMG/AMP sequence variant interpretation guidelines (Richards et al. 2015 PMID: 25741868, with internal and published modifications).

Women's Health and Genetics/Laboratory Corporation of America, LabCorp
Classification: Likely benign. Last evaluated: 2026-04-20. Review status: criteria provided, single submitter. Criteria: LabCorp Variant Classification Summary - May 2015. Collection method: clinical testing. Allele origin: germline.